The following is an entry in ClinVar:

NM_004260.4(RECQL4):c.293G>C (p.Arg98Pro)

Gene: RECQL4 (RecQ like helicase 4; minus strand). Cytogenetic location: 8q24.3.
Variant type: single nucleotide variant.
Coding change: c.293G>C on transcript NM_004260.4 (MANE Select); coding-DNA position 293, G replaced by C.
Protein change: p.Arg98Pro; replaces arginine 98 with proline.
Molecular consequence: missense variant.
Genome position (GRCh38, 1-based): chr8:144,517,111, C>G on the plus strand (G>C on the coding strand, the complement: RECQL4 is on the minus strand). VCF-style: chr8-144517111-C-G. GRCh37 (hg19) VCF-style: chr8-145742495-C-G.
Other names: short protein forms R98P.
Identifiers: ClinVar variation 840676 (VCV000840676.7), dbSNP rs769634470, ClinGen allele CA4949394.

ClinVar aggregate classification (germline): Conflicting classifications of pathogenicity. Review status: criteria provided, conflicting classifications (1 of 4 stars). 2 submissions from 2 submitters: Uncertain significance (1); Likely benign (1). Last evaluated 2025-01-30.

Conditions:
Baller-Gerold syndrome (BGS). Also called: CRANIOSYNOSTOSIS WITH RADIAL DEFECTS. Identifiers: Orphanet 1225, MedGen C0265308, MONDO:0009039, OMIM 218600.
Inborn genetic diseases. Identifiers: MedGen C0950123, MeSH D030342.

Allele frequency attached by ClinVar (database versions not stated): TOPMed 0.00002; gnomAD 0.00003.
gnomAD v4.1: 5 of 1,612,254 alleles (0.00031%); highest among the groups gnomAD compares: African/African-American, 0.0067%; no homozygotes.

Submissions (2):

Ambry Genetics
Classification: Likely benign for Inborn genetic diseases. Last evaluated: 2025-01-30. Review status: criteria provided, single submitter. Criteria: Ambry Variant Classification Scheme 2023. Collection method: clinical testing. Allele origin: germline.

Labcorp Genetics (formerly Invitae), Labcorp
Classification: Uncertain significance for Baller-Gerold syndrome. Last evaluated: 2024-04-22. Review status: criteria provided, single submitter. Criteria: Invitae Variant Classification Sherloc (09022015). Collection method: clinical testing. Allele origin: germline.
Comment: This sequence change replaces arginine, which is basic and polar, with proline, which is neutral and non-polar, at codon 98 of the RECQL4 protein (p.Arg98Pro). This variant is present in population databases (rs769634470, gnomAD 0.01%). This variant has not been reported in the literature in individuals affected with RECQL4-related conditions. ClinVar contains an entry for this variant (Variation ID: 840676). Advanced modeling of protein sequence and biophysical properties (such as structural, functional, and spatial information, amino acid conservation, physicochemical variation, residue mobility, and thermodynamic stability) performed at Invitae indicates that this missense variant is not expected to disrupt RECQL4 protein function with a negative predictive value of 80%. In summary, the available evidence is currently insufficient to determine the role of this variant in disease. Therefore, it has been classified as a Variant of Uncertain Significance.